The following is an entry in ClinVar:

ClinVar aggregate classification (germline): Pathogenic (1 of 4 stars; one submission).

Conditions:
Intellectual developmental disorder, X-linked 1. Also called: Atkin Flaitz Patil Smith syndrome; MENTAL RETARDATION, X-LINKED 18; MENTAL RETARDATION, X-LINKED 78; Intellectual disability, X-linked 1. Identifiers: Orphanet 777, MedGen C2931498, MONDO:0010656, OMIM 309530.

Submission:

Labcorp Genetics (formerly Invitae), Labcorp
Classification: Pathogenic for Intellectual developmental disorder, X-linked 1. Last evaluated: 2023-07-17. Review status: criteria provided, single submitter. Criteria: Invitae Variant Classification Sherloc (09022015). Collection method: clinical testing. Allele origin: germline.
Comment: For these reasons, this variant has been classified as Pathogenic. ClinVar contains an entry for this variant (Variation ID: 2034157). This variant has not been reported in the literature in individuals affected with IQSEC2-related conditions. This variant is not present in population databases (gnomAD no frequency). This sequence change creates a premature translational stop signal (p.Gly220Alafs*37) in the IQSEC2 gene. It is expected to result in an absent or disrupted protein product. Loss-of-function variants in IQSEC2 are known to be pathogenic (PMID: 21686261, 26793055, 27665735).

Literature cited by the submitters: PubMed 21686261; PubMed 26793055; PubMed 27665735.

NM_001111125.3(IQSEC2):c.659del (p.Gly220fs)

Gene: IQSEC2 (IQ motif and Sec7 domain ArfGEF 2; minus strand). Cytogenetic location: Xp11.22.
Variant type: Deletion.
Coding change: c.659del on transcript NM_001111125.3 (MANE Select); coding-DNA position 659, one base deleted (G; older notation c.659delG).
Protein change: p.Gly220fs; shifts the reading frame from glycine 220.
Molecular consequence: frameshift variant.
Genome position (GRCh38, 1-based): chrX:53,320,465, C deleted on the plus strand (G on the coding strand, the reverse complement: IQSEC2 is on the minus strand); the first of 2 consecutive C bases (chrX:53,320,465-53,320,466); deleting either gives the same sequence. VCF-style (leftmost placement, unchanged base first): chrX-53320464-GC-G. GRCh37 (hg19) VCF-style: chrX-53349662-GC-G.
Other names: c.658delG, p.Gly220Alafs (NM_001410736.1); short protein forms G220fs.
Identifiers: ClinVar variation 2034157 (VCV002034157.4), dbSNP rs2520567227, ClinGen allele CA2580101252.